The following is an entry in ClinVar:

NM_001164508.2(NEB):c.9689T>C (p.Met3230Thr)

Gene: NEB (nebulin; minus strand). Cytogenetic location: 2q23.3.
Variant type: single nucleotide variant.
Coding change: c.9689T>C on transcript NM_001164508.2 (MANE Select); coding-DNA position 9689, T replaced by C.
Protein change: p.Met3230Thr; replaces methionine 3230 with threonine.
Molecular consequence: missense variant.
Genome position (GRCh38, 1-based): chr2:151,630,749, A>G on the plus strand (T>C on the coding strand, the complement: NEB is on the minus strand). VCF-style: chr2-151630749-A-G. GRCh37 (hg19) VCF-style: chr2-152487263-A-G.
Other names: c.9689T>C, p.Met3230Thr (NM_001164507.2, NM_001271208.2); c.8960T>C, p.Met2987Thr (NM_004543.5); short protein forms M3230T, M2987T.
Identifiers: ClinVar variation 465656 (VCV000465656.8), dbSNP rs760551196, ClinGen allele CA1909241.

ClinVar aggregate classification (germline): Uncertain significance. Review status: criteria provided, single submitter (1 of 4 stars). 2 submissions from 2 submitters: Uncertain significance (1). 1 of the submissions does not count toward it. Last evaluated 2022-07-19.

Conditions:
Nemaline myopathy 2 (NEM2). Also called: Nemaline myopathy 2, autosomal recessive. Identifiers: MedGen C1850569, MONDO:0009725, OMIM 256030.

Allele frequency attached by ClinVar (database versions not stated): ExAC 0.00001; gnomAD 0.00001; gnomAD exomes 0.00001; TOPMed 0.00001.
gnomAD v4.1: 16 of 1,611,188 alleles (0.00099%); highest among the groups gnomAD compares: African/African-American, 0.0027%; no homozygotes.

Submissions (2):

Labcorp Genetics (formerly Invitae), Labcorp
Classification: Uncertain significance for Nemaline myopathy 2. Last evaluated: 2022-07-19. Review status: criteria provided, single submitter. Criteria: Invitae Variant Classification Sherloc (09022015). Collection method: clinical testing. Allele origin: germline.
Comment: This sequence change replaces methionine, which is neutral and non-polar, with threonine, which is neutral and polar, at codon 3230 of the NEB protein (p.Met3230Thr). This variant is present in population databases (rs760551196, gnomAD 0.003%). This variant has not been reported in the literature in individuals affected with NEB-related conditions. ClinVar contains an entry for this variant (Variation ID: 465656). Algorithms developed to predict the effect of missense changes on protein structure and function are either unavailable or do not agree on the potential impact of this missense change (SIFT: "Deleterious"; PolyPhen-2: "Not Available"; Align-GVGD: "Class C0"). In summary, the available evidence is currently insufficient to determine the role of this variant in disease. Therefore, it has been classified as a Variant of Uncertain Significance.

Natera, Inc.
Classification: Uncertain significance for Nemaline myopathy type 2. Last evaluated: 2019-11-11. Review status: no assertion criteria provided. Collection method: clinical testing. Allele origin: germline. Not counted in ClinVar's aggregate classification.